The following is an entry in ClinVar:

ClinVar aggregate classification (germline): Pathogenic (1 of 4 stars; one submission).

Conditions:
Primary ciliary dyskinesia. Also called: Ciliary dyskinesia. Identifiers: Orphanet 244, MedGen C0008780, MONDO:0016575, HP:0012265.

Submission:

Labcorp Genetics (formerly Invitae), Labcorp
Classification: Pathogenic for Primary ciliary dyskinesia. Last evaluated: 2026-01-27. Review status: criteria provided, single submitter. Criteria: Invitae Variant Classification Sherloc (09022015). Collection method: clinical testing. Allele origin: germline.
Comment: This sequence change creates a premature translational stop signal (p.Trp44*) in the DNAAF3 gene. It is expected to result in an absent or disrupted protein product. Loss-of-function variants in DNAAF3 are known to be pathogenic (PMID: 22387996). This variant is present in population databases (rs755384052, gnomAD 0.05%). This variant has not been reported in the literature in individuals affected with DNAAF3-related conditions. ClinVar contains an entry for this variant (Variation ID: 3715030). For these reasons, this variant has been classified as Pathogenic.

Literature cited by the submitters: PubMed 22387996.

NM_001256715.2(DNAAF3):c.-5+6G>A

Genes: DNAAF3 (dynein axonemal assembly factor 3; minus strand), DNAAF3-AS1 (DNAAF3 antisense RNA 1; plus strand). Cytogenetic location: 19q13.42.
Variant type: single nucleotide variant.
Coding change: c.-5+6G>A on transcript NM_001256715.2 (MANE Select); 6 bases into the intron after 5 bases upstream of the start codon, G replaced by A.
Molecular consequence: intron variant. On other transcripts: nonsense (2), 5 prime UTR variant (1).
Genome position (GRCh38, 1-based): chr19:55,166,517, C>T on the plus strand (G>A on the coding strand, the complement: DNAAF3 is on the minus strand). VCF-style: chr19-55166517-C-T. GRCh37 (hg19) VCF-style: chr19-55677885-C-T.
Other names: c.132G>A, p.Trp44Ter (NM_001256714.1, NM_178837.4); c.-248G>A (NM_001256716.2); short protein forms W44*.
Identifiers: ClinVar variation 3715030 (VCV003715030.2).